The following is an entry in ClinVar:

NM_020919.4(ALS2):c.4223T>A (p.Leu1408Ter)

Gene: ALS2 (alsin Rho guanine nucleotide exchange factor ALS2; minus strand). Cytogenetic location: 2q33.1.
Variant type: single nucleotide variant.
Coding change: c.4223T>A on transcript NM_020919.4 (MANE Select); coding-DNA position 4223, T replaced by A.
Protein change: p.Leu1408Ter; replaces leucine 1408 with a stop codon.
Molecular consequence: nonsense.
Genome position (GRCh38, 1-based): chr2:201,709,938, A>T on the plus strand (T>A on the coding strand, the complement: ALS2 is on the minus strand). VCF-style: chr2-201709938-A-T. GRCh37 (hg19) VCF-style: chr2-202574661-A-T.
Other names: p.Leu1408Ter; short protein forms L1408*.
Identifiers: ClinVar variation 1678521 (VCV001678521.3), dbSNP rs2105972075, ClinGen allele CA350323445.

ClinVar aggregate classification (germline): Pathogenic (1 of 4 stars; one submission).

Conditions:
Amyotrophic lateral sclerosis type 2, juvenile. Also called: ALS, JUVENILE; Amyotrophic lateral sclerosis type 2. Identifiers: Orphanet 300605, MedGen C1859807, MONDO:0008780, OMIM 205100.

Submission:

Medical Genetics, Christian Medical College
Classification: Pathogenic for Amyotrophic lateral sclerosis type 2, juvenile. Review status: criteria provided, single submitter. Criteria: ACMG Guidelines, 2015. Collection method: clinical testing. Allele origin: germline. Inheritance: Autosomal recessive inheritance. Affected: yes. Observed: 3 variant alleles.
Comment: This variant has not been reported previously and in silico prediction is damaging by MutationTaster2. The reference codon is conserved across species.Based on ACMG guidelines classified as pathogenic . Sanger sequencing of affected twin siblings revealed the same homozygous nonsense pathogenic variant. Both the parents were heterozygous carrier for the same variant.